The following is an entry in ClinVar:

NM_004369.4(COL6A3):c.4192C>T (p.Pro1398Ser)

Gene: COL6A3 (collagen type VI alpha 3 chain; minus strand). Cytogenetic location: 2q37.3.
Variant type: single nucleotide variant.
Coding change: c.4192C>T on transcript NM_004369.4 (MANE Select); coding-DNA position 4192, C replaced by T.
Protein change: p.Pro1398Ser; replaces proline 1398 with serine.
Molecular consequence: missense variant.
Genome position (GRCh38, 1-based): chr2:237,371,825, G>A on the plus strand (C>T on the coding strand, the complement: COL6A3 is on the minus strand). VCF-style: chr2-237371825-G-A. GRCh37 (hg19) VCF-style: chr2-238280468-G-A.
Other names: c.2971C>T, p.Pro991Ser (NM_057164.5); c.3574C>T, p.Pro1192Ser (NM_057165.5, NM_057167.4); c.2371C>T, p.Pro791Ser (NM_057166.5); short protein forms P1192S, P1398S, P791S, P991S.
Identifiers: ClinVar variation 3377420 (VCV003377420.2).

ClinVar aggregate classification (germline): Uncertain significance. Review status: criteria provided, multiple submitters, no conflicts (2 of 4 stars). 2 submissions from 2 submitters: Uncertain significance (2). Last evaluated 2025-11-16.

Conditions:
Dystonia 27 (DYT27). Identifiers: Orphanet 464440, MedGen C4225336, MONDO:0014627, OMIM 616411.
Bethlem myopathy 1A. Also called: MYOPATHY, BENIGN CONGENITAL, WITH CONTRACTURES; Bethlem Muscular Dystrophy; Bethlem myopathy 1. Identifiers: Orphanet 610, MedGen CN029274, MONDO:0024530, OMIM 158810.

Submissions (2):

Labcorp Genetics (formerly Invitae), Labcorp
Classification: Uncertain significance for Bethlem myopathy 1A. Last evaluated: 2025-11-16. Review status: criteria provided, single submitter. Criteria: Invitae Variant Classification Sherloc (09022015). Collection method: clinical testing. Allele origin: germline.
Comment: This sequence change replaces proline, which is neutral and non-polar, with serine, which is neutral and polar, at codon 1398 of the COL6A3 protein (p.Pro1398Ser). This variant is not present in population databases (gnomAD no frequency). This variant has not been reported in the literature in individuals affected with COL6A3-related conditions. ClinVar contains an entry for this variant (Variation ID: 3377420). Invitae Evidence Modeling of protein sequence and biophysical properties (such as structural, functional, and spatial information, amino acid conservation, physicochemical variation, residue mobility, and thermodynamic stability) indicates that this missense variant is not expected to disrupt COL6A3 protein function with a negative predictive value of 80%. In summary, the available evidence is currently insufficient to determine the role of this variant in disease. Therefore, it has been classified as a Variant of Uncertain Significance.

Victorian Clinical Genetics Services, Murdoch Childrens Research Institute
Classification: Uncertain significance for Dystonia 27. Last evaluated: 2020-05-26. Review status: criteria provided, single submitter. Criteria: ACMG Guidelines, 2015. Collection method: clinical testing. Allele origin: germline.
Comment: Based on the classification scheme VCGS_Germline_v1.1.1, this variant is classified as 3B-VUS. Following criteria are met: 0102 - Loss-of-function is a known mechanism of disease for this gene. (N) 0104 - Dominant Negative is a mechanism of disease for this gene. (N) 0108 - This gene is known to be associated with both recessive and dominant disease. Bethlem myopathy and Ullrich congenital muscular dystrophy can be both recessive and dominant (PMID: 20301676; OMIM). However, dystonia is caused by biallelic variants and the patients reported had at least one variant in exon 41 (PMID: 26004199). (N) 0200 - Variant is predicted to result in a missense amino acid change from proline to serine (exon 9). (N) 0251 - Variant is heterozygous. (N) 0301 - Variant is absent from gnomAD. (P) 0309 - An alternative amino acid change at the same position has been observed in gnomAD (1 heterozygote, 0 homozygotes). (N) 0502 - Missense variant with conflicting in silico predictions and uninformative conservation. (N) 0604 - Variant is not located in an established domain, motif, hotspot or informative constraint region. (N) 0705 - No comparable variants have previous evidence for pathogenicity. (N) 0807 - Variant has not previously been reported in a clinical context. (N) 0905 - No segregation evidence has been identified for this variant. (N) 1007 - No published functional evidence has been identified for this variant. (N) 1208 - Inheritance information for this variant is not currently available. (N) Legend: (P) - Pathogenic, (N) - Neutral, (B) - Benign

Literature cited by the submitters: PubMed 20301676 (cited by Victorian Clinical Genetics Services, Murdoch Childrens Research Institute); PubMed 26004199 (cited by Victorian Clinical Genetics Services, Murdoch Childrens Research Institute).